The following is an entry in ClinVar:

ClinVar aggregate classification (germline): Uncertain significance. Review status: criteria provided, multiple submitters, no conflicts (2 of 4 stars). 2 submissions from 2 submitters: Uncertain significance (2). Last evaluated 2025-09-16.

Conditions:
Hereditary cancer-predisposing syndrome. Also called: Hereditary Cancer Syndrome; Hereditary neoplastic syndrome; Tumor predisposition; Neoplastic Syndromes, Hereditary. Identifiers: Orphanet 140162, MedGen C0027672, MeSH D009386, MONDO:0015356.

Allele frequency attached by ClinVar (database versions not stated): gnomAD exomes below 0.00001.
gnomAD v4.1: 1 of 1,614,202 alleles (0.000062%); highest among the groups gnomAD compares: Non-Finnish European, 0.000085%; no homozygotes.

Submissions (2):

Ambry Genetics
Classification: Uncertain significance for Hereditary cancer-predisposing syndrome. Last evaluated: 2025-09-16. Review status: criteria provided, single submitter. Criteria: Ambry Variant Classification Scheme 2023. Collection method: clinical testing. Allele origin: germline.
Comment: The c.720+5G>A intronic variant results from a G to A substitution 5 nucleotides after coding exon 7 in the POLE gene. This nucleotide position is well conserved in available vertebrate species. In silico splice site analysis for this alteration is inconclusive. Based on the available evidence, the clinical significance of this variant remains unclear.

Labcorp Genetics (formerly Invitae), Labcorp
Classification: Uncertain significance. Last evaluated: 2024-06-06. Review status: criteria provided, single submitter. Criteria: Invitae Variant Classification Sherloc (09022015). Collection method: clinical testing. Allele origin: germline.
Comment: This sequence change falls in intron 7 of the POLE gene. It does not directly change the encoded amino acid sequence of the POLE protein. It affects a nucleotide within the consensus splice site. This variant is not present in population databases (gnomAD no frequency). This variant has not been reported in the literature in individuals affected with POLE-related conditions. ClinVar contains an entry for this variant (Variation ID: 841427). Variants that disrupt the consensus splice site are a relatively common cause of aberrant splicing (PMID: 17576681, 9536098). Algorithms developed to predict the effect of sequence changes on RNA splicing suggest that this variant may disrupt the consensus splice site. In summary, the available evidence is currently insufficient to determine the role of this variant in disease. Therefore, it has been classified as a Variant of Uncertain Significance.

Literature cited by the submitters: PubMed 17576681 (cited by Labcorp Genetics (formerly Invitae), Labcorp); PubMed 9536098 (cited by Labcorp Genetics (formerly Invitae), Labcorp).

NM_006231.4(POLE):c.720+5G>A

Gene: POLE (DNA polymerase epsilon, catalytic subunit; minus strand). Cytogenetic location: 12q24.33.
Variant type: single nucleotide variant.
Coding change: c.720+5G>A on transcript NM_006231.4 (MANE Select); 5 bases into the intron after coding-DNA position 720, G replaced by A.
Molecular consequence: intron variant.
Genome position (GRCh38, 1-based): chr12:132,677,573, C>T on the plus strand (G>A on the coding strand, the complement: POLE is on the minus strand). VCF-style: chr12-132677573-C-T. GRCh37 (hg19) VCF-style: chr12-133254159-C-T.
Other names: c.720+5G>A (NM_006231.2).
Identifiers: ClinVar variation 841427 (VCV000841427.8), dbSNP rs2043082854, ClinGen allele CA916082388.